The following is an entry in ClinVar:

NM_006940.6(SOX5):c.1597+2T>A

Gene: SOX5 (SRY-box transcription factor 5; minus strand). Cytogenetic location: 12p12.1.
Variant type: single nucleotide variant.
Coding change: c.1597+2T>A on transcript NM_006940.6 (MANE Select); the canonical splice donor site of the intron after coding-DNA position 1597, T replaced by A.
Molecular consequence: splice donor variant.
Genome position (GRCh38, 1-based): chr12:23,546,314, A>T on the plus strand (T>A on the coding strand, the complement: SOX5 is on the minus strand). VCF-style: chr12-23546314-A-T. GRCh37 (hg19) VCF-style: chr12-23699248-A-T.
Other names: c.1558+2T>A (NM_152989.5); c.1234+2T>A (NM_001261414.3); c.1567+2T>A (NM_001261415.3); c.1492+2T>A (NM_001330785.2); c.439+2T>A (NM_178010.4).
Identifiers: ClinVar variation 449233 (VCV000449233.4), dbSNP rs1555141265, ClinGen allele CA384320082.

ClinVar aggregate classification (germline): Pathogenic. Review status: criteria provided, single submitter (1 of 4 stars). 2 submissions from 2 submitters: Pathogenic (1). 1 of the submissions does not count toward it. Last evaluated 2017-10-26.

Conditions:
Lamb-Shaffer syndrome. Identifiers: Orphanet 313884, Orphanet 313892, Orphanet 530983, MedGen C4225202, MONDO:0014778, OMIM 616803.

Submissions (2):

GeneDx
Classification: Pathogenic. Last evaluated: 2017-10-26. Review status: criteria provided, single submitter. Criteria: GeneDx Variant Classification (06012015). Collection method: clinical testing. Allele origin: germline. Affected: yes.
Comment: The c.1597+2T>A variant in the SOX5 gene has not been reported previously as a pathogenic variant nor as a benign variant, to our knowledge. This splice site variant destroys the canonical splice donor site in intron 12. It is predicted to cause abnormal gene splicing, either leading to an abnormal message that is subject to nonsense-mediated mRNA decay, or to an abnormal protein product if the message is used for protein translation. The c.1597+2T>A variant is not observed in large population cohorts (Lek et al., 2016). We interpret c.1597+2T>A as a pathogenic variant.

Institute for Human Genetics, University Hospital Essen
Classification: Pathogenic for Lamb-Shaffer syndrome. Last evaluated: 2019-08-05. Review status: no assertion criteria provided. Collection method: clinical testing. Allele origin: de novo. Inheritance: Autosomal dominant inheritance. Affected: yes. Not counted in ClinVar's aggregate classification.